The following is an entry in ClinVar:

ClinVar aggregate classification (germline): Uncertain significance (1 of 4 stars; one submission).

Submission:

GeneDx
Classification: Uncertain significance. Last evaluated: 2026-03-13. Review status: criteria provided, single submitter. Criteria: GeneDx Variant Classification Process June 2021. Collection method: clinical testing. Allele origin: germline.
Comment: Not observed at significant frequency in large population cohorts (gnomAD); In-frame deletion of 1 amino acid(s) in a non-repeat region; In silico analysis supports a deleterious effect on protein structure/function; Has not been previously published as pathogenic or benign to our knowledge

NM_002430.3(MN1):c.2007TGG[1] (p.Gly671del)

Gene: MN1 (MN1 proto-oncogene, transcriptional regulator; minus strand). Cytogenetic location: 22q12.1.
Variant type: Microsatellite.
Coding change: c.2007TGG[1] on transcript NM_002430.3 (MANE Select); one copy of the 3-base unit TGG starting at c.2007; the reference has two copies in a row; one copy, 3 bases deleted.
Protein change: p.Gly671del; deletes glycine 671.
Molecular consequence: inframe deletion.
Genome position (GRCh38, 1-based): chr22:27,798,532-27,798,534, CCA deleted on the plus strand (TGG on the coding strand, the reverse complement: MN1 is on the minus strand); deleting any 3 consecutive bases within chr22:27,798,532-27,798,537 gives the same sequence; the position shown is the placement nearest the transcript's 3' end. VCF-style (leftmost placement, unchanged base first): chr22-27798531-GCCA-G. GRCh37 (hg19) VCF-style: chr22-28194519-GCCA-G.
Other names: short protein forms G671del.
Identifiers: ClinVar variation 5008620 (VCV005008620.1).